The following is an entry in ClinVar:

NM_000231.3(SGCG):c.581T>C (p.Leu194Ser)

Gene: SGCG (sarcoglycan gamma; plus strand). Cytogenetic location: 13q12.12.
Variant type: single nucleotide variant.
Coding change: c.581T>C on transcript NM_000231.3 (MANE Select); coding-DNA position 581, T replaced by C.
Protein change: p.Leu194Ser; replaces leucine 194 with serine.
Molecular consequence: missense variant.
Genome position (GRCh38, 1-based): chr13:23,320,639, T>C. VCF-style: chr13-23320639-T-C. GRCh37 (hg19) VCF-style: chr13-23894778-T-C.
Other names: c.635T>C, p.Leu212Ser (NM_001378244.1); c.581T>C, p.Leu194Ser (NM_001378245.1, NM_001378246.1); short protein forms L194S, L212S.
Identifiers: ClinVar variation 281085 (VCV000281085.35), dbSNP rs547818652, ClinGen allele CA6909795.

ClinVar aggregate classification (germline): Pathogenic/Likely pathogenic. Review status: criteria provided, multiple submitters, no conflicts (2 of 4 stars). 14 submissions from 14 submitters: Pathogenic (7); Likely pathogenic (2). 5 of the submissions do not count toward it. Last evaluated 2025-12-30.

Conditions:
SGCG-related disorder. Also called: SGCG-related condition.
Autosomal recessive limb-girdle muscular dystrophy. Identifiers: Orphanet 102015, MedGen C2931907, MONDO:0015152.
Autosomal recessive limb-girdle muscular dystrophy type 2C (LGMDR5). Also called: MUSCULAR DYSTROPHY, DUCHENNE-LIKE; MUSCULAR DYSTROPHY, LIMB-GIRDLE, AUTOSOMAL RECESSIVE 5. Identifiers: Orphanet 353, MedGen C0410173, MONDO:0009677, OMIM 253700. Disease mechanism: Affects gamma-sarcoglycan and also disrupts the integrity of the entire sarcoglycan complex..

Allele frequency attached by ClinVar (database versions not stated): gnomAD 0.00001; gnomAD exomes 0.00002; ExAC 0.00005.
gnomAD v4.1: 37 of 1,529,698 alleles (0.0024%); highest among the groups gnomAD compares: Non-Finnish European, 0.0029%; no homozygotes.

Submissions (14):

Labcorp Genetics (formerly Invitae), Labcorp
Classification: Pathogenic for Autosomal recessive limb-girdle muscular dystrophy type 2C. Last evaluated: 2025-12-30. Review status: criteria provided, single submitter. Criteria: Invitae Variant Classification Sherloc (09022015). Collection method: clinical testing. Allele origin: germline.
Comment: This sequence change replaces leucine, which is neutral and non-polar, with serine, which is neutral and polar, at codon 194 of the SGCG protein (p.Leu194Ser). This variant is present in population databases (rs547818652, gnomAD 0.004%). This missense change has been observed in individuals with limb girdle muscular dystrophy (LGMD) (PMID: 9673983, 19770540). It has also been observed to segregate with disease in related individuals. This variant is also known as p.Leu193Ser. ClinVar contains an entry for this variant (Variation ID: 281085). An algorithm developed to predict the effect of missense changes on protein structure and function (PolyPhen-2) suggests that this variant is likely to be disruptive. Experimental studies have shown that this missense change affects SGCG function (PMID: 22095924). For these reasons, this variant has been classified as Pathogenic.

Natera, Inc.
Classification: Pathogenic for Limb-girdle muscular dystrophy type 2C. Last evaluated: 2025-07-16. Review status: criteria provided, single submitter. Criteria: Natera Variant Classification Schema (03/2026). Collection method: clinical testing. Allele origin: germline.
Comment: The c.581T>C variant in SGCG is a missense variant predicted to cause substitution of leucine to serine at amino acid 194. This variant is rare in the general population with a frequency below the threshold expected for the associated phenotype(s). This variant has been observed in one or more individuals affected with the associated recessive disease, as either homozygous or compound heterozygous with a second variant (PMID: 30919934). Additionally, this variant has been observed to segregate in affected family members (PMID: 30919934). Given the available evidence, this variant is classified as Pathogenic.

Revvity Omics, Revvity
Classification: Pathogenic for Autosomal recessive limb-girdle muscular dystrophy type 2C. Last evaluated: 2024-12-20. Review status: criteria provided, single submitter. Criteria: ACMG Guidelines, 2015. Collection method: clinical testing. Allele origin: germline.

Fulgent Genetics
Classification: Likely pathogenic for Autosomal recessive limb-girdle muscular dystrophy type 2C. Last evaluated: 2024-03-20. Review status: criteria provided, single submitter. Criteria: ACMG Guidelines, 2015. Collection method: clinical testing. Allele origin: germline.

Blueprint Genetics
Classification: Pathogenic for SGCG-related disorders. Last evaluated: 2023-11-28. Review status: criteria provided, single submitter. Criteria: ACMG Guidelines, 2015. Collection method: clinical testing. Allele origin: germline. Affected: yes. Observed: 2 variant alleles.

Women's Health and Genetics/Laboratory Corporation of America, LabCorp
Classification: Pathogenic for Autosomal recessive limb-girdle muscular dystrophy. Last evaluated: 2022-05-04. Review status: criteria provided, single submitter. Criteria: LabCorp Variant Classification Summary - May 2015. Collection method: clinical testing. Allele origin: germline.
Comment: Variant summary: SGCG c.581T>C (p.Leu194Ser) results in a non-conservative amino acid change in the encoded protein sequence. Five of five in-silico tools predict a damaging effect of the variant on protein function. The variant allele was found at a frequency of 2e-05 in 201962 control chromosomes. c.581T>C has been reported in the literature in multiple individuals affected with Limb-Girdle Muscular Dystrophy, Autosomal Recessive. These data indicate that the variant is very likely to be associated with disease. At least one publication reports experimental evidence evaluating an impact on protein function and showed that this variant disturbs the membrane localization of the protein. Six clinical diagnostic laboratories have submitted clinical-significance assessments for this variant to ClinVar after 2014 without evidence for independent evaluation. All laboratories classified the variant as pathogenic/likely pathogenic. Based on the evidence outlined above, the variant was classified as pathogenic.

Eurofins Ntd Llc (ga)
Classification: Pathogenic. Last evaluated: 2016-08-08. Review status: criteria provided, single submitter. Criteria: EGL Classification Definitions 2015. Collection method: clinical testing. Allele origin: germline. Observed: 3 variant alleles, 3 heterozygotes.

Clinical Genetics and Genomics, Karolinska University Hospital
Classification: Likely pathogenic. Last evaluated: 2016-06-23. Review status: criteria provided, single submitter. Criteria: ACMG Guidelines, 2015. Collection method: clinical testing. Allele origin: germline. Affected: yes. Observed: 1 variant allele.

Genome Diagnostics Laboratory, University Medical Center Utrecht
Classification: Pathogenic for Autosomal recessive limb-girdle muscular dystrophy type 2C. Last evaluated: 2014-10-08. Review status: criteria provided, single submitter. Criteria: ACGS Guidelines, 2013. Collection method: clinical testing. Allele origin: germline. Affected: yes. Study: VKGL Data-share Consensus.

PreventionGenetics, part of Exact Sciences
Classification: Pathogenic for SGCG-related condition. Last evaluated: 2024-07-22. Review status: no assertion criteria provided. Collection method: clinical testing. Allele origin: germline. Not counted in ClinVar's aggregate classification.
Comment: The SGCG c.581T>C variant is predicted to result in the amino acid substitution p.Leu194Ser. This variant has been reported in the compound heterozygous and homozygous state in individuals with limb girdle muscular dystrophy (van der Kooi et al. 1998. PubMed ID: 9673983; Ginjaar et al. 2000. PubMed ID: 10993494; Khadilkar et al. 2009. PubMed ID: 19770540; Soheili et al. 2012. PubMed ID: 22095924; Supp. Table 1 in Ten Dam et al. 2019. PubMed ID: 30919934). Functional studies indicate this variant disrupts normal cell membrane localization (Soheili et al. 2012. PubMed ID: 22095924). This variant is reported in 0.0050% of alleles in individuals of European (non-Finnish) descent in gnomAD. This variant is interpreted as pathogenic.

Counsyl
Classification: Likely pathogenic for Autosomal recessive limb-girdle muscular dystrophy type 2C. Last evaluated: 2017-02-03. Review status: no assertion criteria provided. Collection method: clinical testing. Allele origin: unknown. Not counted in ClinVar's aggregate classification.

Clinical Genetics, Academic Medical Center
Classification: Pathogenic. Review status: no assertion criteria provided. Collection method: clinical testing. Allele origin: germline. Affected: yes. Study: VKGL Data-share Consensus. Not counted in ClinVar's aggregate classification.

Joint Genome Diagnostic Labs from Nijmegen and Maastricht, Radboudumc and MUMC+
Classification: Likely pathogenic. Review status: no assertion criteria provided. Collection method: clinical testing. Allele origin: germline. Affected: yes. Study: VKGL Data-share Consensus. Not counted in ClinVar's aggregate classification.

Laboratory of Diagnostic Genome Analysis, Leiden University Medical Center (LUMC)
Classification: Pathogenic. Review status: no assertion criteria provided. Collection method: clinical testing. Allele origin: germline. Affected: yes. Study: VKGL Data-share Consensus. Not counted in ClinVar's aggregate classification.

Literature cited by the submitters: PubMed 9673983 (cited by 4 submitters); PubMed 19770540 (cited by 3 submitters); PubMed 22095924 (cited by 4 submitters); PubMed 30919934 (cited by Natera, Inc.); PubMed 25605665 (cited by Counsyl).